The following is an entry in ClinVar:

NM_001287491.2(TET3):c.2194A>G (p.Ile732Val)

Gene: TET3 (tet methylcytosine dioxygenase 3; plus strand). Cytogenetic location: 2p13.1.
Variant type: single nucleotide variant.
Coding change: c.2194A>G on transcript NM_001287491.2 (MANE Select); coding-DNA position 2194, A replaced by G.
Protein change: p.Ile732Val; replaces isoleucine 732 with valine.
Molecular consequence: missense variant.
Genome position (GRCh38, 1-based): chr2:74,048,111, A>G. VCF-style: chr2-74048111-A-G. GRCh37 (hg19) VCF-style: chr2-74275238-A-G.
Other names: c.1915A>G, p.Ile639Val (NM_001366022.1); short protein forms I639V, I732V.
Identifiers: ClinVar variation 3900402 (VCV003900402.2).

ClinVar aggregate classification (germline): Uncertain significance (1 of 4 stars; one submission).

gnomAD v4.1: 1 of 1,613,466 alleles (0.000062%); no homozygotes.

Submission:

GeneDx
Classification: Uncertain significance. Last evaluated: 2025-07-03. Review status: criteria provided, single submitter. Criteria: GeneDx Variant Classification Process June 2021. Collection method: clinical testing. Allele origin: germline.
Comment: Not observed at significant frequency in large population cohorts (gnomAD); In silico analysis suggests that this missense variant does not alter protein structure/function; Has not been previously published as pathogenic or benign to our knowledge